The following is an entry in ClinVar:

ClinVar aggregate classification (germline): Likely benign. Review status: criteria provided, single submitter (1 of 4 stars). 2 submissions from 2 submitters: Likely benign (1). 1 of the submissions does not count toward it. Last evaluated 2024-06-25.

Conditions:
Thrombophilia due to protein C deficiency, autosomal dominant. Also called: PROC DEFICIENCY, AUTOSOMAL DOMINANT; PROTEIN C DEFICIENCY, AUTOSOMAL DOMINANT. Identifiers: Orphanet 745, MedGen C2674321, MONDO:0008316, OMIM 176860. Disease mechanism: loss of function.
PROC-related disorder. Also called: PROC-related condition.

Allele frequency attached by ClinVar (database versions not stated): ExAC 0.00001.
gnomAD v4.1: 31 of 1,613,978 alleles (0.0019%); highest among the groups gnomAD compares: African/African-American, 0.0027%; no homozygotes.

Submissions (2):

Labcorp Genetics (formerly Invitae), Labcorp
Classification: Likely benign for Thrombophilia due to protein C deficiency, autosomal dominant. Last evaluated: 2024-06-25. Review status: criteria provided, single submitter. Criteria: Invitae Variant Classification Sherloc (09022015). Collection method: clinical testing. Allele origin: germline.

PreventionGenetics, part of Exact Sciences
Classification: Likely benign for PROC-related condition. Last evaluated: 2019-09-04. Review status: no assertion criteria provided. Collection method: clinical testing. Allele origin: germline. Not counted in ClinVar's aggregate classification.
Comment: This variant is classified as likely benign based on ACMG/AMP sequence variant interpretation guidelines (Richards et al. 2015 PMID: 25741868, with internal and published modifications).

NM_000312.4(PROC):c.1074C>T (p.Phe358=)

Gene: PROC (protein C, inactivator of coagulation factors Va and VIIIa; plus strand). Cytogenetic location: 2q14.3.
Variant type: single nucleotide variant.
Coding change: c.1074C>T on transcript NM_000312.4 (MANE Select); coding-DNA position 1074, C replaced by T.
Protein change: p.Phe358=; no amino-acid change (phenylalanine 358 retained).
Molecular consequence: synonymous variant.
Genome position (GRCh38, 1-based): chr2:127,428,634, C>T. VCF-style: chr2-127428634-C-T. GRCh37 (hg19) VCF-style: chr2-128186210-C-T.
Other names: c.1257C>T, p.Phe419= (NM_001375602.1); c.1239C>T, p.Phe413= (NM_001375603.1); c.1137C>T, p.Phe379= (NM_001375604.1); c.1176C>T, p.Phe392= (NM_001375605.1); c.1242C>T, p.Phe414= (NM_001375606.1); c.1260C>T, p.Phe420= (NM_001375607.1); c.1017C>T, p.Phe339= (NM_001375608.1); c.1050C>T, p.Phe350= (NM_001375609.1); and 2 more.
Identifiers: ClinVar variation 2141300 (VCV002141300.5), dbSNP rs769300513, ClinGen allele CA1859517.